The following is an entry in ClinVar:

ClinVar aggregate classification (germline): Uncertain significance. Review status: criteria provided, multiple submitters, no conflicts (2 of 4 stars). 2 submissions from 2 submitters: Uncertain significance (2). Last evaluated 2024-03-03.

Allele frequency attached by ClinVar (database versions not stated): ExAC below 0.00001; gnomAD exomes 0.00001; TOPMed 0.00001.
gnomAD v4.1: 19 of 1,561,154 alleles (0.0012%); highest among the groups gnomAD compares: Non-Finnish European, 0.0015%; no homozygotes.

Submissions (2):

Labcorp Genetics (formerly Invitae), Labcorp
Classification: Uncertain significance. Last evaluated: 2024-03-03. Review status: criteria provided, single submitter. Criteria: Invitae Variant Classification Sherloc (09022015). Collection method: clinical testing. Allele origin: germline.
Comment: This sequence change replaces leucine, which is neutral and non-polar, with phenylalanine, which is neutral and non-polar, at codon 449 of the COL9A2 protein (p.Leu449Phe). This variant is not present in population databases (gnomAD no frequency). This variant has not been reported in the literature in individuals affected with COL9A2-related conditions. ClinVar contains an entry for this variant (Variation ID: 450578). Advanced modeling of protein sequence and biophysical properties (such as structural, functional, and spatial information, amino acid conservation, physicochemical variation, residue mobility, and thermodynamic stability) performed at Invitae indicates that this missense variant is not expected to disrupt COL9A2 protein function with a negative predictive value of 95%. In summary, the available evidence is currently insufficient to determine the role of this variant in disease. Therefore, it has been classified as a Variant of Uncertain Significance.

GeneDx
Classification: Uncertain significance. Last evaluated: 2017-07-20. Review status: criteria provided, single submitter. Criteria: GeneDx Variant Classification (06012015). Collection method: clinical testing. Allele origin: germline. Affected: yes.
Comment: The L449F variant in the COL9A2 gene has not been reported previously as a pathogenic variant, nor as a benign variant, to our knowledge. The L449F variant is not observed in large population cohorts (Lek et al., 2016; 1000 Genomes Consortium et al., 2015; Exome Variant Server). The L449F variant is a conservative amino acid substitution, which is not likely to impact secondary protein structure as these residues share similar properties. This substitution occurs at a position that is conserved in mammals. In silico analysis is inconsistent in its predictions as to whether or not the variant is damaging to the protein structure/function. We interpret L449F as a variant of uncertain significance.

NM_001852.4(COL9A2):c.1345C>T (p.Leu449Phe)

Gene: COL9A2 (collagen type IX alpha 2 chain; minus strand). Cytogenetic location: 1p34.2.
Variant type: single nucleotide variant.
Coding change: c.1345C>T on transcript NM_001852.4 (MANE Select); coding-DNA position 1345, C replaced by T.
Protein change: p.Leu449Phe; replaces leucine 449 with phenylalanine.
Molecular consequence: missense variant.
Genome position (GRCh38, 1-based): chr1:40,303,951, G>A on the plus strand (C>T on the coding strand, the complement: COL9A2 is on the minus strand). VCF-style: chr1-40303951-G-A. GRCh37 (hg19) VCF-style: chr1-40769623-G-A.
Other names: short protein forms L449F.
Identifiers: ClinVar variation 450578 (VCV000450578.9), dbSNP rs758422442, ClinGen allele CA791473.